The following is an entry in ClinVar:

ClinVar aggregate classification (germline): Benign. Review status: criteria provided, multiple submitters, no conflicts (2 of 4 stars). 3 submissions from 3 submitters: Benign (2). 1 of the submissions does not count toward it. Last evaluated 2018-01-13.

Conditions:
Deficiency of beta-ureidopropionase (UPB1D). Also called: Beta-ureidopropionase deficiency. Identifiers: Orphanet 65287, MedGen C1291512, MONDO:0013164, OMIM 613161.

Allele frequency attached by ClinVar (database versions not stated): TOPMed 0.10799; ESP Exome Variant Server 0.10958; gnomAD 0.11463 and 0.11999; 1000 Genomes Project 30x 0.15100; ExAC 0.15407; 1000 Genomes Project 0.15595; gnomAD exomes 0.15967.

Submissions (3):

Illumina Laboratory Services, Illumina
Classification: Benign for Deficiency of beta-ureidopropionase. Last evaluated: 2018-01-13. Review status: criteria provided, single submitter. Criteria: ICSL Variant Classification Criteria 13 December 2019. Collection method: clinical testing. Allele origin: germline.
Comment: This variant was observed in the ICSL laboratory as part of a predisposition screen in an ostensibly healthy population. It had not been previously curated by ICSL or reported in the Human Gene Mutation Database (HGMD: prior to June 1st, 2018), and was therefore a candidate for classification through an automated scoring system. Utilizing variant allele frequency, disease prevalence and penetrance estimates, and inheritance mode, an automated score was calculated to assess if this variant is too frequent to cause the disease. Based on the score and internal cut-off values, a variant classified as benign is not then subjected to further curation. The score for this variant resulted in a classification of benign for this disease.

Breakthrough Genomics
Classification: Benign. Review status: criteria provided, single submitter. Criteria: ACMG Guidelines, 2015. Collection method: not provided. Allele origin: germline. Inheritance: Autosomal recessive inheritance. Affected: yes.

Diasio Lab,  Mayo Clinic
No classification provided. Review status: no classification provided. Collection method: not provided. Allele origin: unknown. Not counted in ClinVar's aggregate classification.

NM_016327.3(UPB1):c.-17A>T

Gene: UPB1 (beta-ureidopropionase 1; plus strand). Cytogenetic location: 22q11.23.
Variant type: single nucleotide variant.
Coding change: c.-17A>T on transcript NM_016327.3 (MANE Select); 17 bases upstream of the start codon, A replaced by T.
Molecular consequence: 5 prime UTR variant.
Genome position (GRCh38, 1-based): chr22:24,495,387, A>T. VCF-style: chr22-24495387-A-T. GRCh37 (hg19) VCF-style: chr22-24891355-A-T.
Identifiers: ClinVar variation 100155 (VCV000100155.6), dbSNP rs2070475, ClinGen allele CA228234.